The following is an entry in ClinVar:

NM_002439.5(MSH3):c.1143A>T (p.Lys381Asn)

Gene: MSH3 (mutS homolog 3; plus strand). Cytogenetic location: 5q14.1.
Variant type: single nucleotide variant.
Coding change: c.1143A>T on transcript NM_002439.5 (MANE Select); coding-DNA position 1143, A replaced by T.
Protein change: p.Lys381Asn; replaces lysine 381 with asparagine.
Molecular consequence: missense variant.
Genome position (GRCh38, 1-based): chr5:80,675,098, A>T. VCF-style: chr5-80675098-A-T. GRCh37 (hg19) VCF-style: chr5-79970917-A-T.
Other names: short protein forms K381N.
Identifiers: ClinVar variation 2801592 (VCV002801592.3), dbSNP rs1370138731, ClinGen allele CA360268265.

ClinVar aggregate classification (germline): Uncertain significance (1 of 4 stars; one submission).

gnomAD v4.1: 1 of 1,613,854 alleles (0.000062%); highest among the groups gnomAD compares: East Asian, 0.0022%; no homozygotes.

Submission:

Labcorp Genetics (formerly Invitae), Labcorp
Classification: Uncertain significance. Last evaluated: 2025-12-15. Review status: criteria provided, single submitter. Criteria: Invitae Variant Classification Sherloc (09022015). Collection method: clinical testing. Allele origin: germline.
Comment: This sequence change replaces lysine, which is basic and polar, with asparagine, which is neutral and polar, at codon 381 of the MSH3 protein (p.Lys381Asn). This variant is not present in population databases (gnomAD no frequency). This variant has not been reported in the literature in individuals affected with MSH3-related conditions. ClinVar contains an entry for this variant (Variation ID: 2801592). An algorithm developed to predict the effect of missense changes on protein structure and function (PolyPhen-2) suggests that this variant is likely to be tolerated. In summary, the available evidence is currently insufficient to determine the role of this variant in disease. Therefore, it has been classified as a Variant of Uncertain Significance.